The following is an entry in ClinVar:

ClinVar aggregate classification (germline): Uncertain significance (1 of 4 stars; one submission).

Conditions:
Hereditary cancer-predisposing syndrome. Also called: Tumor predisposition; Hereditary Cancer Syndrome; Hereditary neoplastic syndrome; Neoplastic Syndromes, Hereditary. Identifiers: Orphanet 140162, MedGen C0027672, MeSH D009386, MONDO:0015356.

Submission:

Ambry Genetics
Classification: Uncertain significance for Hereditary cancer-predisposing syndrome. Last evaluated: 2023-08-25. Review status: criteria provided, single submitter. Criteria: Ambry Variant Classification Scheme 2023. Collection method: clinical testing. Allele origin: germline.
Comment: The p.G1425V variant (also known as c.4274G>T), located in coding exon 33 of the TSC2 gene, results from a G to T substitution at nucleotide position 4274. The glycine at codon 1425 is replaced by valine, an amino acid with dissimilar properties. This amino acid position is conserved. In addition, the in silico prediction for this alteration is inconclusive. Since supporting evidence is limited at this time, the clinical significance of this alteration remains unclear.

NM_000548.5(TSC2):c.4274G>T (p.Gly1425Val)

Gene: TSC2 (TSC complex subunit 2; plus strand). Cytogenetic location: 16p13.3.
Variant type: single nucleotide variant.
Coding change: c.4274G>T on transcript NM_000548.5 (MANE Select); coding-DNA position 4274, G replaced by T.
Protein change: p.Gly1425Val; replaces glycine 1425 with valine.
Molecular consequence: missense variant. On other transcripts: non-coding transcript variant (5).
Genome position (GRCh38, 1-based): chr16:2,084,496, G>T. VCF-style: chr16-2084496-G-T. GRCh37 (hg19) VCF-style: chr16-2134497-G-T.
Other names: c.4073G>T, p.Gly1358Val (NM_001077183.3); c.4205G>T, p.Gly1402Val (NM_001114382.3); c.3965G>T, p.Gly1322Val (NM_001318827.2); c.3929G>T, p.Gly1310Val (NM_001318829.2); c.3542G>T, p.Gly1181Val (NM_001318831.2); c.4106G>T, p.Gly1369Val (NM_001318832.2); c.4076G>T, p.Gly1359Val (NM_001363528.2); c.4142G>T, p.Gly1381Val (NM_001370404.1); and 26 more; short protein forms G1201V, G1352V, G1355V, G1369V, G1388V, G1402V, G1425V, G1181V.
Identifiers: ClinVar variation 2626444 (VCV002626444.2), dbSNP rs2151530560, ClinGen allele CA394300737.